The following is an entry in ClinVar:

NM_001083961.2(WDR62):c.4272del (p.Gln1425fs)

Gene: WDR62 (WD repeat domain 62; plus strand). Cytogenetic location: 19q13.12.
Variant type: Deletion.
Coding change: c.4272del on transcript NM_001083961.2 (MANE Select); coding-DNA position 4272, one base deleted (G; older notation c.4272delG).
Protein change: p.Gln1425fs; shifts the reading frame from glutamine 1425.
Molecular consequence: frameshift variant.
Genome position (GRCh38, 1-based): chr19:36,104,636, G deleted. VCF-style (leftmost placement, unchanged base first): chr19-36104635-TG-T. GRCh37 (hg19) VCF-style: chr19-36595537-TG-T.
Other names: c.4257del, p.Gln1420fs (NM_001411145.1, NM_173636.5); c.4023del, p.Gln1342fs (NM_001411146.1); c.3921del, p.Gln1308fs (NM_001411147.1); short protein forms Q1420fs, Q1425fs, Q1308fs, Q1342fs.
Identifiers: ClinVar variation 1800841 (VCV001800841.5), dbSNP rs1190033342, ClinGen allele CA881854163.

ClinVar aggregate classification (germline): Uncertain significance. Review status: criteria provided, multiple submitters, no conflicts (2 of 4 stars). 2 submissions from 2 submitters: Uncertain significance (2). Last evaluated 2023-10-10.

Allele frequency attached by ClinVar (database versions not stated): TOPMed 0.00001; gnomAD exomes 0.00002; gnomAD 0.00001.

Submissions (2):

Labcorp Genetics (formerly Invitae), Labcorp
Classification: Uncertain significance. Last evaluated: 2023-10-10. Review status: criteria provided, single submitter. Criteria: Invitae Variant Classification Sherloc (09022015). Collection method: clinical testing. Allele origin: germline.
Comment: This sequence change results in a frameshift in the WDR62 gene (p.Gln1425Argfs*112). While this is not anticipated to result in nonsense mediated decay, it is expected to disrupt the last 99 amino acid(s) of the WDR62 protein and extend the protein by 12 additional amino acid residues. This variant is not present in population databases (gnomAD no frequency). This frameshift has been observed in individual(s) with microcephaly (Invitae). ClinVar contains an entry for this variant (Variation ID: 1800841). In summary, the available evidence is currently insufficient to determine the role of this variant in disease. Therefore, it has been classified as a Variant of Uncertain Significance.

GeneDx
Classification: Uncertain significance. Last evaluated: 2023-08-04. Review status: criteria provided, single submitter. Criteria: GeneDx Variant Classification Process June 2021. Collection method: clinical testing. Allele origin: germline.
Comment: Not observed at significant frequency in large population cohorts (gnomAD); Frameshift variant predicted to result in abnormal protein length as the last 99 amino acids are replaced with 111 different amino acids; Has not been previously published as pathogenic or benign to our knowledge